The following is an entry in ClinVar:

NM_033380.3(COL4A5):c.958_960dup (p.Tyr320_Pro321insTyr)

Gene: COL4A5 (collagen type IV alpha 5 chain; plus strand). Cytogenetic location: Xq22.3.
Variant type: Duplication.
Coding change: c.958_960dup on transcript NM_033380.3 (MANE Select); coding-DNA positions 958 to 960, 3 bases duplicated (TAC; older notation c.958_960dupTAC).
Protein change: p.Tyr320_Pro321insTyr.
Molecular consequence: inframe insertion.
Genome position (GRCh38, 1-based): chrX:108,582,905-108,582,907, TAC duplicated. VCF-style (leftmost placement, unchanged base first): chrX-108582904-T-TTAC. GRCh37 (hg19) VCF-style: chrX-107826134-T-TTAC.
Other names: c.958_960dup, p.Tyr320_Pro321insTyr (NM_000495.5).
Identifiers: ClinVar variation 3255182 (VCV003255182.1), dbSNP rs2524254673.

ClinVar aggregate classification (germline): Likely pathogenic (1 of 4 stars; one submission).

Conditions:
X-linked Alport syndrome (ATS1). Also called: COL4A5-Related Nephropathy; NEPHROPATHY AND DEAFNESS, X-LINKED. Identifiers: Orphanet 63, Orphanet 88917, MedGen C4746986, MONDO:0010520, OMIM 301050.

Submission:

Victorian Clinical Genetics Services, Murdoch Childrens Research Institute
Classification: Likely pathogenic for X-linked Alport syndrome. Last evaluated: 2022-02-02. Review status: criteria provided, single submitter. Criteria: ACMG Guidelines, 2015. Collection method: clinical testing. Allele origin: germline. Inheritance: X-linked dominant inheritance.
Comment: Based on the classification scheme VCGS_Germline_v1.3.4, this variant is classified as Likely Pathogenic. Following criteria are met: 0103 - Dominant negative and loss of function are known mechanisms of disease in this gene and are associated with Alport syndrome 1 (MIM#301050). Gly changes in the G-X-Y repeat in the triple helix of a collagen domain are known to have a dominant-negative effect (PMID: 12028435). (I) 0110 - This gene is associated with X-linked dominant disease. (I) 0216 - In-frame insertion/deletion in a non-repetitive region that has low conservation. (SP) 0251 - This variant is heterozygous. (I) 0301 - Variant is absent from gnomAD (both v2 and v3). (SP) 0601 - Variant is located in the well-established functional G-X-Y repeat, within the collagen triple helix (DECIPHER). (SP) 0705 - No comparable variants have previous evidence for pathogenicity. (I) 0807 - This variant has no previous evidence of pathogenicity. (I) 0906 - Segregation evidence for this variant is inconclusive. (I) 1007 - No published functional evidence has been identified for this variant. (I) Legend: (SP) - Supporting pathogenic, (I) - Information, (SB) - Supporting benign

Literature cited by the submitters: PubMed 12028435.